The following is an entry in ClinVar:

ClinVar aggregate classification (germline): Uncertain significance (1 of 4 stars; one submission).

Conditions:
Dyskeratosis congenita. Identifiers: Orphanet 1775, MedGen C0265965, MONDO:0015780.

Allele frequency attached by ClinVar (database versions not stated): gnomAD exomes below 0.00001.
gnomAD v4.1: 3 of 1,614,212 alleles (0.00019%); highest among the groups gnomAD compares: Non-Finnish European, 0.00025%; no homozygotes.

Submission:

Labcorp Genetics (formerly Invitae), Labcorp
Classification: Uncertain significance for Dyskeratosis congenita. Last evaluated: 2019-11-16. Review status: criteria provided, single submitter. Criteria: Invitae Variant Classification Sherloc (09022015). Collection method: clinical testing. Allele origin: germline.
Comment: This variant is not present in population databases (ExAC no frequency). In summary, the available evidence is currently insufficient to determine the role of this variant in disease. Therefore, it has been classified as a Variant of Uncertain Significance. Algorithms developed to predict the effect of missense changes on protein structure and function (SIFT, PolyPhen-2, Align-GVGD) all suggest that this variant is likely to be tolerated, but these predictions have not been confirmed by published functional studies and their clinical significance is uncertain. This variant has not been reported in the literature in individuals with NHP2-related conditions. This sequence change replaces valine with methionine at codon 55 of the NHP2 protein (p.Val55Met). The valine residue is weakly conserved and there is a small physicochemical difference between valine and methionine.

NM_017838.4(NHP2):c.163G>A (p.Val55Met)

Gene: NHP2 (NHP2 ribonucleoprotein; minus strand). Cytogenetic location: 5q35.3.
Variant type: single nucleotide variant.
Coding change: c.163G>A on transcript NM_017838.4 (MANE Select); coding-DNA position 163, G replaced by A.
Protein change: p.Val55Met; replaces valine 55 with methionine.
Molecular consequence: missense variant.
Genome position (GRCh38, 1-based): chr5:178,153,558, C>T on the plus strand (G>A on the coding strand, the complement: NHP2 is on the minus strand). VCF-style: chr5-178153558-C-T. GRCh37 (hg19) VCF-style: chr5-177580559-C-T.
Other names: c.163G>A, p.Val55Met (NM_001034833.2); short protein forms V55M.
Identifiers: ClinVar variation 857351 (VCV000857351.9), dbSNP rs1756327381, ClinGen allele CA362392614.